The following is an entry in ClinVar:

ClinVar aggregate classification (germline): Uncertain significance (1 of 4 stars; one submission).

Conditions:
Pyogenic arthritis-pyoderma gangrenosum-acne syndrome (PAPA). Also called: FAMILIAL RECURRENT ARTHRITIS; PAPA SYNDROME. Identifiers: Orphanet 69126, MedGen C1858361, MONDO:0011462, OMIM 604416.

Allele frequency attached by ClinVar (database versions not stated): TOPMed 0.00001.
gnomAD v4.1: 1 of 1,606,968 alleles (0.000062%); highest among the groups gnomAD compares: Non-Finnish European, 0.000085%; no homozygotes.

Submission:

Labcorp Genetics (formerly Invitae), Labcorp
Classification: Uncertain significance for Pyogenic arthritis-pyoderma gangrenosum-acne syndrome. Last evaluated: 2020-09-07. Review status: criteria provided, single submitter. Criteria: Invitae Variant Classification Sherloc (09022015). Collection method: clinical testing. Allele origin: germline.
Comment: This sequence change replaces glutamic acid with aspartic acid at codon 414 of the PSTPIP1 protein (p.Glu414Asp). The glutamic acid residue is moderately conserved and there is a small physicochemical difference between glutamic acid and aspartic acid. This variant is not present in population databases (ExAC no frequency). This variant has not been reported in the literature in individuals with PSTPIP1-related conditions. Algorithms developed to predict the effect of missense changes on protein structure and function (SIFT, PolyPhen-2, Align-GVGD) all suggest that this variant is likely to be tolerated, but these predictions have not been confirmed by published functional studies and their clinical significance is uncertain. In summary, the available evidence is currently insufficient to determine the role of this variant in disease. Therefore, it has been classified as a Variant of Uncertain Significance.

NM_003978.5(PSTPIP1):c.1242G>C (p.Glu414Asp)

Gene: PSTPIP1 (proline-serine-threonine phosphatase interacting protein 1; plus strand). Cytogenetic location: 15q24.3.
Variant type: single nucleotide variant.
Coding change: c.1242G>C on transcript NM_003978.5 (MANE Select); coding-DNA position 1242, G replaced by C.
Protein change: p.Glu414Asp; replaces glutamic acid 414 with aspartic acid.
Molecular consequence: missense variant. On other transcripts: non-coding transcript variant (1).
Genome position (GRCh38, 1-based): chr15:77,037,167, G>C. VCF-style: chr15-77037167-G-C. GRCh37 (hg19) VCF-style: chr15-77329508-G-C.
Other names: c.1185G>C, p.Glu395Asp (NM_001321135.2); c.1215G>C, p.Glu405Asp (NM_001321136.2); c.1437G>C, p.Glu479Asp (NM_001321137.1); short protein forms E395D, E405D, E414D, E479D.
Identifiers: ClinVar variation 1018502 (VCV001018502.8), dbSNP rs1158206044, ClinGen allele CA393522173.